The following is an entry in ClinVar:

NM_021098.3(CACNA1H):c.4303C>T (p.Leu1435Phe)

Gene: CACNA1H (calcium voltage-gated channel subunit alpha1 H; plus strand). Cytogenetic location: 16p13.3.
Variant type: single nucleotide variant.
Coding change: c.4303C>T on transcript NM_021098.3 (MANE Select); coding-DNA position 4303, C replaced by T.
Protein change: p.Leu1435Phe; replaces leucine 1435 with phenylalanine.
Molecular consequence: missense variant.
Genome position (GRCh38, 1-based): chr16:1,211,247, C>T. VCF-style: chr16-1211247-C-T. GRCh37 (hg19) VCF-style: chr16-1261247-C-T.
Other names: c.4303C>T, p.Leu1435Phe (NM_001005407.2); short protein forms L1435F.
Identifiers: ClinVar variation 1351677 (VCV001351677.6), dbSNP rs762016050, ClinGen allele CA7801254.

ClinVar aggregate classification (germline): Uncertain significance (1 of 4 stars; one submission).

Conditions:
Idiopathic generalized epilepsy. Also called: EIG; Generalised epilepsy. Identifiers: MedGen C0270850, MONDO:0005579, OMIM 600669.
Hyperaldosteronism, familial, type IV (HALD4). Also called: FH IV; ALDOSTERONISM, PRIMARY, AND HYPERTENSION. Identifiers: Orphanet 642671, MedGen C4310756, MONDO:0014875, OMIM 617027.

Allele frequency attached by ClinVar (database versions not stated): gnomAD 0.00001; ExAC 0.00002; TOPMed 0.00002.
gnomAD v4.1: 6 of 1,613,020 alleles (0.00037%); highest among the groups gnomAD compares: Admixed American, 0.005%; no homozygotes.

Submission:

Labcorp Genetics (formerly Invitae), Labcorp
Classification: Uncertain significance for Idiopathic generalized epilepsy; Hyperaldosteronism, familial, type IV. Last evaluated: 2024-11-24. Review status: criteria provided, single submitter. Criteria: Invitae Variant Classification Sherloc (09022015). Collection method: clinical testing. Allele origin: germline.
Comment: This sequence change replaces leucine, which is neutral and non-polar, with phenylalanine, which is neutral and non-polar, at codon 1435 of the CACNA1H protein (p.Leu1435Phe). This variant is present in population databases (rs762016050, gnomAD 0.006%). This variant has not been reported in the literature in individuals affected with CACNA1H-related conditions. ClinVar contains an entry for this variant (Variation ID: 1351677). Invitae Evidence Modeling of protein sequence and biophysical properties (such as structural, functional, and spatial information, amino acid conservation, physicochemical variation, residue mobility, and thermodynamic stability) indicates that this missense variant is expected to disrupt CACNA1H protein function with a positive predictive value of 80%. In summary, the available evidence is currently insufficient to determine the role of this variant in disease. Therefore, it has been classified as a Variant of Uncertain Significance.